The following is an entry in ClinVar:

ClinVar aggregate classification (germline): Uncertain significance. Review status: criteria provided, single submitter (1 of 4 stars). 2 submissions from 2 submitters: Uncertain significance (1). 1 of the submissions does not count toward it. Last evaluated 2024-08-06.

Conditions:
FN1-related disorder. Also called: FN1-related condition.

gnomAD v4.1: 17 of 1,613,388 alleles (0.0011%); highest among the groups gnomAD compares: African/African-American, 0.0027%; no homozygotes.

Submissions (2):

Labcorp Genetics (formerly Invitae), Labcorp
Classification: Uncertain significance. Last evaluated: 2024-08-06. Review status: criteria provided, single submitter. Criteria: Invitae Variant Classification Sherloc (09022015). Collection method: clinical testing. Allele origin: germline.
Comment: This sequence change replaces arginine, which is basic and polar, with histidine, which is basic and polar, at codon 2420 of the FN1 protein (p.Arg2420His). This variant is present in population databases (rs372963822, gnomAD 0.003%). This variant has not been reported in the literature in individuals affected with FN1-related conditions. An algorithm developed to predict the effect of missense changes on protein structure and function (PolyPhen-2) suggests that this variant is likely to be disruptive. In summary, the available evidence is currently insufficient to determine the role of this variant in disease. Therefore, it has been classified as a Variant of Uncertain Significance.

PreventionGenetics, part of Exact Sciences
Classification: Uncertain significance for FN1-related condition. Last evaluated: 2024-05-08. Review status: no assertion criteria provided. Collection method: clinical testing. Allele origin: germline. Not counted in ClinVar's aggregate classification.
Comment: The FN1 c.7259G>A variant is predicted to result in the amino acid substitution p.Arg2420His. To our knowledge, this variant has not been reported in the literature. This variant is reported in 0.0029% of alleles in individuals of Latino descent in gnomAD. At this time, the clinical significance of this variant is uncertain due to the absence of conclusive functional and genetic evidence.

NM_212482.4(FN1):c.7259G>A (p.Arg2420His)

Genes: ATIC (5-aminoimidazole-4-carboxamide ribonucleotide formyltransferase/IMP cyclohydrolase; plus strand), FN1 (fibronectin 1; minus strand). Cytogenetic location: 2q35.
Variant type: single nucleotide variant.
Coding change: c.7259G>A on transcript NM_212482.4 (MANE Select); coding-DNA position 7259, G replaced by A.
Protein change: p.Arg2420His; replaces arginine 2420 with histidine.
Molecular consequence: missense variant.
Genome position (GRCh38, 1-based): chr2:215,362,072, C>T on the plus strand (G>A on the coding strand, the complement: FN1 is on the minus strand). VCF-style: chr2-215362072-C-T. GRCh37 (hg19) VCF-style: chr2-216226795-C-T.
Other names: c.6818G>A, p.Arg2273His (NM_212478.3); c.7166G>A, p.Arg2389His (NM_001306129.2); c.6629G>A, p.Arg2210His (NM_001306130.2); c.6623G>A, p.Arg2208His (NM_001306131.2); c.6548G>A, p.Arg2183His (NM_001306132.2); c.6989G>A, p.Arg2330His (NM_001365517.2); c.6986G>A, p.Arg2329His (NM_001365518.2); c.6914G>A, p.Arg2305His (NM_001365519.2); and 8 more; short protein forms R2119H, R2183H, R2208H, R2209H, R2210H, R2214H, R2239H, R2273H.
Identifiers: ClinVar variation 3354094 (VCV003354094.3).